The following is an entry in ClinVar:

ClinVar aggregate classification (germline): Uncertain significance. Review status: criteria provided, multiple submitters, no conflicts (2 of 4 stars). 2 submissions from 2 submitters: Uncertain significance (2). Last evaluated 2025-06-22.

Conditions:
Inborn genetic diseases. Identifiers: MedGen C0950123, MeSH D030342.
Acromesomelic dysplasia 1, Maroteaux type (AMD1). Also called: ACROMESOMELIC DYSPLASIA 1; ST. HELENA DYSPLASIA. Identifiers: Orphanet 40, MedGen C1864356, MONDO:0011275, OMIM 602875.
Tall stature-scoliosis-macrodactyly of the great toes syndrome. Also called: Epiphyseal chondrodysplasia, miura type. Identifiers: Orphanet 329191, MedGen C4014690, MONDO:0014401, OMIM 615923.

Allele frequency attached by ClinVar (database versions not stated): ExAC 0.00002; gnomAD 0.00002; TOPMed 0.00002; gnomAD exomes 0.00003.

Submissions (2):

Ambry Genetics
Classification: Uncertain significance for Inborn genetic diseases. Last evaluated: 2025-06-22. Review status: criteria provided, single submitter. Criteria: Ambry Variant Classification Scheme 2023. Collection method: clinical testing. Allele origin: germline.

Labcorp Genetics (formerly Invitae), Labcorp
Classification: Uncertain significance for Tall stature-scoliosis-macrodactyly of the great toes syndrome; Acromesomelic dysplasia 1, Maroteaux type. Last evaluated: 2024-12-20. Review status: criteria provided, single submitter. Criteria: Invitae Variant Classification Sherloc (09022015). Collection method: clinical testing. Allele origin: germline.
Comment: This sequence change replaces arginine, which is basic and polar, with glutamine, which is neutral and polar, at codon 745 of the NPR2 protein (p.Arg745Gln). This variant is present in population databases (rs772083131, gnomAD 0.004%). This variant has not been reported in the literature in individuals affected with NPR2-related conditions. ClinVar contains an entry for this variant (Variation ID: 2168375). Invitae Evidence Modeling of protein sequence and biophysical properties (such as structural, functional, and spatial information, amino acid conservation, physicochemical variation, residue mobility, and thermodynamic stability) indicates that this missense variant is not expected to disrupt NPR2 protein function with a negative predictive value of 80%. In summary, the available evidence is currently insufficient to determine the role of this variant in disease. Therefore, it has been classified as a Variant of Uncertain Significance.

NM_003995.4(NPR2):c.2234G>A (p.Arg745Gln)

Gene: NPR2 (natriuretic peptide receptor 2; plus strand). Cytogenetic location: 9p13.3.
Variant type: single nucleotide variant.
Coding change: c.2234G>A on transcript NM_003995.4 (MANE Select); coding-DNA position 2234, G replaced by A.
Protein change: p.Arg745Gln; replaces arginine 745 with glutamine.
Molecular consequence: missense variant.
Genome position (GRCh38, 1-based): chr9:35,806,095, G>A. VCF-style: chr9-35806095-G-A. GRCh37 (hg19) VCF-style: chr9-35806092-G-A.
Other names: c.2234G>A (NM_003995.3); c.2243G>A, p.Arg748Gln (NM_001378923.1); short protein forms R748Q, R745Q.
Identifiers: ClinVar variation 2168375 (VCV002168375.5), dbSNP rs772083131, ClinGen allele CA5051919.
Genomic context (GRCh38, chr9:35,806,095, plus strand): 5'-TTCTTCATCCAAACCTTTGATCACCCTCAGAGATTGTCCAGAAGGTACGAAATGGTCAGC[G>A]GCCATATTTCCGGCCAAGCATTGACCGGACCCAACTGAATGAAGAGCTAGTTTTGCTGAT-3'
Protein context (NP_003986.2, residues 735-755): EIVQKVRNGQ[Arg745Gln]PYFRPSIDRT